The following is an entry in ClinVar:

ClinVar aggregate classification (germline): Uncertain significance. Review status: criteria provided, multiple submitters, no conflicts (2 of 4 stars). 2 submissions from 2 submitters: Uncertain significance (2). Last evaluated 2022-09-29.

Conditions:
Inborn genetic diseases. Identifiers: MedGen C0950123, MeSH D030342.

Allele frequency attached by ClinVar (database versions not stated): TOPMed below 0.00001; ExAC 0.00002.
gnomAD v4.1: 4 of 1,613,816 alleles (0.00025%); highest among the groups gnomAD compares: Admixed American, 0.0067%; no homozygotes.

Submissions (2):

Ambry Genetics
Classification: Uncertain significance for Inborn genetic diseases. Last evaluated: 2022-09-29. Review status: criteria provided, single submitter. Criteria: Ambry Variant Classification Scheme 2023. Collection method: clinical testing. Allele origin: germline.

Labcorp Genetics (formerly Invitae), Labcorp
Classification: Uncertain significance. Last evaluated: 2022-07-12. Review status: criteria provided, single submitter. Criteria: Invitae Variant Classification Sherloc (09022015). Collection method: clinical testing. Allele origin: germline.
Comment: This sequence change replaces proline, which is neutral and non-polar, with arginine, which is basic and polar, at codon 5275 of the ADGRV1 protein (p.Pro5275Arg). This variant is present in population databases (rs754514658, gnomAD 0.01%). This variant has not been reported in the literature in individuals affected with ADGRV1-related conditions. ClinVar contains an entry for this variant (Variation ID: 1439917). Algorithms developed to predict the effect of missense changes on protein structure and function are either unavailable or do not agree on the potential impact of this missense change (SIFT: "Tolerated"; PolyPhen-2: "Probably Damaging"; Align-GVGD: "Class C0"). In summary, the available evidence is currently insufficient to determine the role of this variant in disease. Therefore, it has been classified as a Variant of Uncertain Significance.

NM_032119.4(ADGRV1):c.15824C>G (p.Pro5275Arg)

Gene: ADGRV1 (adhesion G protein-coupled receptor V1; plus strand). Cytogenetic location: 5q14.3.
Variant type: single nucleotide variant.
Coding change: c.15824C>G on transcript NM_032119.4 (MANE Select); coding-DNA position 15824, C replaced by G.
Protein change: p.Pro5275Arg; replaces proline 5275 with arginine.
Molecular consequence: missense variant. On other transcripts: non-coding transcript variant (1).
Genome position (GRCh38, 1-based): chr5:90,811,084, C>G. VCF-style: chr5-90811084-C-G. GRCh37 (hg19) VCF-style: chr5-90106901-C-G.
Other names: c.15824C>G (NM_032119.3); short protein forms P5275R.
Identifiers: ClinVar variation 1439917 (VCV001439917.4), dbSNP rs754514658, ClinGen allele CA3341985.